The following is an entry in ClinVar:

NM_001170629.2(CHD8):c.6778G>T (p.Gly2260Ter)

Genes: CHD8 (chromodomain helicase DNA binding protein 8; minus strand), LOC126861888 (CDK7 strongly-dependent group 2 enhancer GRCh37_chr14:21859227-21860426; plus strand). Cytogenetic location: 14q11.2.
Variant type: single nucleotide variant.
Coding change: c.6778G>T on transcript NM_001170629.2 (MANE Select); coding-DNA position 6778, G replaced by T.
Protein change: p.Gly2260Ter; replaces glycine 2260 with a stop codon.
Molecular consequence: nonsense.
Genome position (GRCh38, 1-based): chr14:21,391,940, C>A on the plus strand (G>T on the coding strand, the complement: CHD8 is on the minus strand). VCF-style: chr14-21391940-C-A. GRCh37 (hg19) VCF-style: chr14-21860099-C-A.
Other names: c.5941G>T, p.Gly1981Ter (NM_020920.4); short protein forms G2260*, G1981*.
Identifiers: ClinVar variation 4002179 (VCV004002179.1).
Genomic context (GRCh38, chr14:21,391,940, plus strand): 5'-GTCCATCTCCCATTACTCCATTCGCCATCAACTTGTGCTTCTGGAATGTTAACTTCAATC[C>A]TTCCTCCTAGGAAGACAACCCACCCACCCAAGACATCATATGGTACATGTTTTTCAAAGT-3'

ClinVar aggregate classification (germline): Pathogenic (1 of 4 stars; one submission).

Conditions:
Inborn genetic diseases. Identifiers: MedGen C0950123, MeSH D030342.

Submission:

Ambry Genetics
Classification: Pathogenic for Inborn genetic diseases. Last evaluated: 2025-05-01. Review status: criteria provided, single submitter. Criteria: Ambry Variant Classification Scheme 2023. Collection method: clinical testing. Allele origin: germline.
Comment: The c.6778G>T (p.G2260*) alteration, located in exon 34 (coding exon 34) of the CHD8 gene, consists of a G to T substitution at nucleotide position 6778. This changes the amino acid from a glycine (G) to a stop codon at amino acid position 2260. This alteration is expected to result in loss of function by premature protein truncation or nonsense-mediated mRNA decay. This variant was not reported in population-based cohorts in the Genome Aggregation Database (gnomAD). Based on the available evidence, this alteration is classified as pathogenic.